The following is an entry in ClinVar:

ClinVar aggregate classification (germline): Uncertain significance (1 of 4 stars; one submission).

Conditions:
Propionic acidemia (PROP). Also called: KETOTIC HYPERGLYCINEMIA; GLYCINEMIA, KETOTIC; HYPERGLYCINEMIA WITH KETOACIDOSIS AND LEUKOPENIA. Identifiers: Orphanet 35, MedGen C0268579, MONDO:0011628, OMIM 606054, HP:0003571.

Submission:

Labcorp Genetics (formerly Invitae), Labcorp
Classification: Uncertain significance for Propionic acidemia. Last evaluated: 2022-06-13. Review status: criteria provided, single submitter. Criteria: Invitae Variant Classification Sherloc (09022015). Collection method: clinical testing. Allele origin: germline.
Comment: This sequence change replaces isoleucine, which is neutral and non-polar, with asparagine, which is neutral and polar, at codon 389 of the PCCB protein (p.Ile389Asn). This variant is not present in population databases (gnomAD no frequency). In summary, the available evidence is currently insufficient to determine the role of this variant in disease. Therefore, it has been classified as a Variant of Uncertain Significance. Advanced modeling of protein sequence and biophysical properties (such as structural, functional, and spatial information, amino acid conservation, physicochemical variation, residue mobility, and thermodynamic stability) performed at Invitae indicates that this missense variant is expected to disrupt PCCB protein function. This variant has not been reported in the literature in individuals affected with PCCB-related conditions.

NM_000532.5(PCCB):c.1166T>A (p.Ile389Asn)

Gene: PCCB (propionyl-CoA carboxylase subunit beta; plus strand). Cytogenetic location: 3q22.3.
Variant type: single nucleotide variant.
Coding change: c.1166T>A on transcript NM_000532.5 (MANE Select); coding-DNA position 1166, T replaced by A.
Protein change: p.Ile389Asn; replaces isoleucine 389 with asparagine.
Molecular consequence: missense variant.
Genome position (GRCh38, 1-based): chr3:136,326,878, T>A. VCF-style: chr3-136326878-T-A. GRCh37 (hg19) VCF-style: chr3-136045720-T-A.
Other names: c.1226T>A, p.Ile409Asn (NM_001178014.2); short protein forms I389N, I409N.
Identifiers: ClinVar variation 1346500 (VCV001346500.8), dbSNP rs2108237886, ClinGen allele CA354648736.